The following is an entry in ClinVar:

NM_001349253.2(SCN11A):c.2777T>C (p.Val926Ala)

Gene: SCN11A (sodium voltage-gated channel alpha subunit 11; minus strand). Cytogenetic location: 3p22.2.
Variant type: single nucleotide variant.
Coding change: c.2777T>C on transcript NM_001349253.2 (MANE Select); coding-DNA position 2777, T replaced by C.
Protein change: p.Val926Ala; replaces valine 926 with alanine.
Molecular consequence: missense variant.
Genome position (GRCh38, 1-based): chr3:38,894,591, A>G on the plus strand (T>C on the coding strand, the complement: SCN11A is on the minus strand). VCF-style: chr3-38894591-A-G. GRCh37 (hg19) VCF-style: chr3-38936082-A-G.
Other names: c.2777T>C, p.Val926Ala (NM_014139.3); short protein forms V926A.
Identifiers: ClinVar variation 4792403 (VCV004792403.1).

ClinVar aggregate classification (germline): Uncertain significance (1 of 4 stars; one submission).

Conditions:
Familial episodic pain syndrome with predominantly lower limb involvement. Also called: Episodic pain syndrome, familial, 3. Identifiers: Orphanet 391384, Orphanet 391392, MedGen C3809899, MONDO:0014247, OMIM 615552.
Hereditary sensory and autonomic neuropathy type 7. Also called: Neuropathy, hereditary sensory and autonomic, type VII; HSAN VII. Identifiers: Orphanet 391397, MedGen C3809882, MONDO:0014244, OMIM 615548.

gnomAD v4.1: 4 of 1,613,790 alleles (0.00025%); highest among the groups gnomAD compares: Non-Finnish European, 0.00034%; no homozygotes.

Submission:

Labcorp Genetics (formerly Invitae), Labcorp
Classification: Uncertain significance for Familial episodic pain syndrome with predominantly lower limb involvement; Hereditary sensory and autonomic neuropathy type 7. Last evaluated: 2025-09-07. Review status: criteria provided, single submitter. Criteria: Invitae Variant Classification Sherloc (09022015). Collection method: clinical testing. Allele origin: germline.
Comment: This sequence change replaces valine, which is neutral and non-polar, with alanine, which is neutral and non-polar, at codon 926 of the SCN11A protein (p.Val926Ala). This variant is not present in population databases (gnomAD no frequency). This variant has not been reported in the literature in individuals affected with SCN11A-related conditions. Invitae Evidence Modeling of protein sequence and biophysical properties (such as structural, functional, and spatial information, amino acid conservation, physicochemical variation, residue mobility, and thermodynamic stability) indicates that this missense variant is not expected to disrupt SCN11A protein function with a negative predictive value of 80%. In summary, the available evidence is currently insufficient to determine the role of this variant in disease. Therefore, it has been classified as a Variant of Uncertain Significance.